The following is an entry in ClinVar:

NM_004972.4(JAK2):c.2132-8T>C

Genes: INSL6 (insulin like 6; minus strand), JAK2 (Janus kinase 2; plus strand). Cytogenetic location: 9p24.1.
Variant type: single nucleotide variant.
Coding change: c.2132-8T>C on transcript NM_004972.4 (MANE Select); 8 bases into the intron before coding-DNA position 2132, T replaced by C.
Molecular consequence: intron variant.
Genome position (GRCh38, 1-based): chr9:5,080,221, T>C. VCF-style: chr9-5080221-T-C. GRCh37 (hg19) VCF-style: chr9-5080221-T-C.
Other names: c.1685-8T>C (NM_001322204.2); c.2132-8T>C (NM_001322194.2, NM_001322195.2, NM_001322196.2); c.917-8T>C (NM_001322198.2, NM_001322199.2).
Identifiers: ClinVar variation 3604190 (VCV003604190.2).

ClinVar aggregate classification (germline): Uncertain significance (1 of 4 stars; one submission).

gnomAD v4.1: 8 of 1,605,218 alleles (0.0005%); highest among the groups gnomAD compares: Admixed American, 0.014%; no homozygotes.

Submission:

Labcorp Genetics (formerly Invitae), Labcorp
Classification: Uncertain significance. Last evaluated: 2024-09-01. Review status: criteria provided, single submitter. Criteria: Invitae Variant Classification Sherloc (09022015). Collection method: clinical testing. Allele origin: germline.
Comment: This sequence change falls in intron 16 of the JAK2 gene. It does not directly change the encoded amino acid sequence of the JAK2 protein. This variant is present in population databases (rs188674247, gnomAD 0.009%). This variant has not been reported in the literature in individuals affected with JAK2-related conditions. Algorithms developed to predict the effect of sequence changes on RNA splicing suggest that this variant may disrupt the consensus splice site. In summary, the available evidence is currently insufficient to determine the role of this variant in disease. Therefore, it has been classified as a Variant of Uncertain Significance.